The following is an entry in ClinVar:

ClinVar aggregate classification (germline): Benign. Review status: reviewed by expert panel (3 of 4 stars). 25 submissions from 24 submitters: Benign (1). 24 of the submissions do not count toward it. Last evaluated 2015-08-10.

Conditions:
Inherited breast cancer and ovarian cancer.
BRCA2-related disorder. Also called: BRCA2-related disorders; BRCA2-related condition. Identifiers: MedGen CN239275.
Breast and/or ovarian cancer. Identifiers: MedGen CN221562.
Hereditary cancer-predisposing syndrome. Also called: Hereditary neoplastic syndrome; Neoplastic Syndromes, Hereditary; Hereditary Cancer Syndrome; Tumor predisposition. Identifiers: Orphanet 140162, MedGen C0027672, MeSH D009386, MONDO:0015356.
Hereditary breast ovarian cancer syndrome. Also called: Breast and ovarian cancer; Hereditary breast and ovarian cancer syndrome; BRCA1- and BRCA2-Associated Hereditary Breast and Ovarian Cancer; Hereditary breast and ovarian cancer; Hereditary breast and ovarian cancer syndrome (HBOC); Hereditary breast and/or ovarian cancer syndrome. Identifiers: Orphanet 145, MedGen C0677776, MeSH D061325, MONDO:0003582. Disease mechanism: loss of function.
Breast-ovarian cancer, familial, susceptibility to, 2 (BROVCA2). Also called: BRCA2 Hereditary Breast and Ovarian Cancer. Identifiers: Orphanet 145, MedGen C2675520, MONDO:0012933, OMIM 612555. Disease mechanism: loss of function.
Fanconi anemia complementation group D1. Also called: BRCA2-Related Fanconi Anemia. Identifiers: Orphanet 319462, MedGen C1838457, MONDO:0011584, OMIM 605724.
Malignant tumor of breast. Also called: Malignant breast neoplasm; Cancer breast. Identifiers: MedGen C0006142, MONDO:0007254. Disease mechanism: loss of function.

Allele frequency attached by ClinVar (database versions not stated): ExAC 0.00001; gnomAD 0.00001; gnomAD exomes 0.00002 and 0.00006; TOPMed 0.00003.
gnomAD v4.1: 79 of 1,610,824 alleles (0.0049%); highest among the groups gnomAD compares: Non-Finnish European, 0.0065%; no homozygotes.

Submissions 1 to 18 of 25:

Evidence-based Network for the Interpretation of Germline Mutant Alleles (ENIGMA)
Classification: Benign for Breast-ovarian cancer, familial 2. Last evaluated: 2015-08-10. Review status: reviewed by expert panel. Criteria: ENIGMA BRCA1/2 Classification Criteria (2015). Collection method: curation. Allele origin: germline.
Comment: IARC class based on posterior probability from multifactorial likelihood analysis, thresholds for class as per Plon et al. 2008 (PMID: 18951446). Class 1 based on posterior probability = 0.00008

Cambridge Genomics Laboratory, East Genomic Laboratory Hub, NHS Genomic Medicine Service
Classification: Benign for Inherited breast cancer and ovarian cancer. Last evaluated: 2026-04-28. Review status: criteria provided, single submitter. Criteria: ACGS Best Practice Guidelines for Variant Classification in Rare Disease 2020. Collection method: clinical testing. Allele origin: germline. Affected: yes. Not counted in ClinVar's aggregate classification.
Comment: BP1_Strong,BP4,BP5_Strong

Labcorp Genetics (formerly Invitae), Labcorp
Classification: Likely benign for Hereditary breast ovarian cancer syndrome. Last evaluated: 2026-02-03. Review status: criteria provided, single submitter. Criteria: Invitae Variant Classification Sherloc (09022015). Collection method: clinical testing. Allele origin: germline. Not counted in ClinVar's aggregate classification.

Mayo Clinic Laboratories, Mayo Clinic
Classification: Benign. Last evaluated: 2025-06-25. Review status: criteria provided, single submitter. Criteria: ACMG Guidelines, 2015. Collection method: clinical testing. Allele origin: germline. Observed: 1 variant allele. Not counted in ClinVar's aggregate classification.
Comment: BP1_strong, BP5_strong

Center for Genomic Medicine, Rigshospitalet, Copenhagen University Hospital
Classification: Benign. Last evaluated: 2025-03-04. Review status: criteria provided, single submitter. Criteria: ACMG Guidelines, 2015. Collection method: clinical testing. Allele origin: germline. Not counted in ClinVar's aggregate classification.

Institute for Biomarker Research, Medical Diagnostic Laboratories, L.L.C.
Classification: Likely benign for Hereditary breast ovarian cancer syndrome. Last evaluated: 2024-06-17. Review status: criteria provided, single submitter. Criteria: ACMG Guidelines, 2015. Collection method: clinical testing. Allele origin: germline. Not counted in ClinVar's aggregate classification.

Quest Diagnostics Nichols Institute San Juan Capistrano
Classification: Likely benign. Last evaluated: 2023-02-04. Review status: criteria provided, single submitter. Criteria: Quest Diagnostics criteria. Collection method: clinical testing. Allele origin: unknown. Not counted in ClinVar's aggregate classification.

GeneDx
Classification: Likely benign. Last evaluated: 2021-12-22. Review status: criteria provided, single submitter. Criteria: GeneDx Variant Classification Process June 2021. Collection method: clinical testing. Allele origin: germline. Affected: yes. Not counted in ClinVar's aggregate classification.
Comment: This variant is associated with the following publications: (PMID: 27633797, 24323938, 15001988, 27616075, 17924331, 21990134)

Sema4
Classification: Likely benign for Hereditary cancer-predisposing syndrome. Last evaluated: 2021-06-03. Review status: criteria provided, single submitter. Criteria: Sema4 Curation Guidelines. Collection method: curation. Allele origin: germline. Not counted in ClinVar's aggregate classification.

Women's Health and Genetics/Laboratory Corporation of America, LabCorp
Classification: Benign. Last evaluated: 2019-12-10. Review status: criteria provided, single submitter. Criteria: LabCorp Variant Classification Summary - May 2015. Collection method: clinical testing. Allele origin: germline. Not counted in ClinVar's aggregate classification.
Comment: Variant summary: BRCA2 c.2416G>C (p.Asp806His) results in a non-conservative amino acid change in the encoded protein sequence. Three of five in-silico tools predict a benign effect of the variant on protein function. The variant allele was found at a frequency of 2.4e-05 in 247692 control chromosomes (gnomAD). The available data on variant occurrences in the general population are insufficient to allow any conclusion about variant significance. c.2416G>C has been reported in the literature in individuals affected with Hereditary Breast and Ovarian Cancer without strong evidence for causality (e.g. Easton_2007, DeLeener_2008, Mattocks_2010, Kraus_2016, Davis_2018). These reports do not provide unequivocal conclusions about association of the variant with Hereditary Breast and Ovarian Cancer. Co-occurrences with other pathogenic variants have been reported [BRCA1 c.5080G>T, p.Glu1694X (UMD); BRCA1 c.2457_2457delC, p.Ser819=fs (BIC); BRCA2 c.517-2A>G (internal sample)] providing supporting evidence for a benign role. To our knowledge, no experimental evidence demonstrating an impact on protein function has been reported. Six other ClinVar submitters have cited the variant as benign/likely benign, including one expert panel classifed this variant as benign. Based on the evidence outlined above, the variant was classified as benign.

CHEO Genetics Diagnostic Laboratory, Children's Hospital of Eastern Ontario
Classification: Likely benign for Breast and/or ovarian cancer. Last evaluated: 2019-07-30. Review status: criteria provided, single submitter. Criteria: ACMG Guidelines, 2015. Collection method: clinical testing. Allele origin: germline. Study: Canadian Open Genetics Repository. Not counted in ClinVar's aggregate classification.

Illumina Laboratory Services, Illumina
Classification: Uncertain significance for Breast-ovarian cancer, familial, susceptibility to, 2. Last evaluated: 2017-05-23. Review status: criteria provided, single submitter. Criteria: ICSL Variant Classification Criteria 13 December 2019. Collection method: clinical testing. Allele origin: germline. Not counted in ClinVar's aggregate classification.
Comment: This variant was observed as part of a predisposition screen in an ostensibly healthy population. A literature search was performed for the gene, cDNA change, and amino acid change (where applicable). Publications were found based on this search. However, the evidence from the literature, in combination with allele frequency data from public databases where available, was not sufficient to rule this variant in or out of causing disease. Therefore, this variant is classified as a variant of unknown significance.

Illumina Laboratory Services, Illumina
Classification: Uncertain significance for Fanconi anemia complementation group D1. Last evaluated: 2017-04-28. Review status: criteria provided, single submitter. Criteria: ICSL Variant Classification Criteria 13 December 2019. Collection method: clinical testing. Allele origin: germline. Not counted in ClinVar's aggregate classification.

Color Diagnostics, LLC DBA Color Health
Classification: Benign for Hereditary cancer-predisposing syndrome. Last evaluated: 2017-02-03. Review status: criteria provided, single submitter. Criteria: ACMG Guidelines, 2015. Collection method: clinical testing. Allele origin: germline. Not counted in ClinVar's aggregate classification.

Ambry Genetics
Classification: Benign for Hereditary cancer-predisposing syndrome. Last evaluated: 2014-11-19. Review status: criteria provided, single submitter. Criteria: Ambry Variant Classification Scheme 2023. Collection method: clinical testing. Allele origin: germline. Not counted in ClinVar's aggregate classification.

PreventionGenetics, part of Exact Sciences
Classification: Likely benign for BRCA2-related condition. Last evaluated: 2019-11-26. Review status: no assertion criteria provided. Collection method: clinical testing. Allele origin: germline. Not counted in ClinVar's aggregate classification.
Comment: This variant is classified as likely benign based on ACMG/AMP sequence variant interpretation guidelines (Richards et al. 2015 PMID: 25741868, with internal and published modifications).

Counsyl
Classification: Likely benign for Breast-ovarian cancer, familial 2. Last evaluated: 2014-07-30. Review status: no assertion criteria provided. Collection method: literature only. Allele origin: unknown. Inheritance: Autosomal dominant inheritance. Not counted in ClinVar's aggregate classification.

Research Molecular Genetics Laboratory, Women's College Hospital, University of Toronto
Classification: Benign. Last evaluated: 2014-01-31. Review status: no assertion criteria provided. Collection method: research. Allele origin: germline. Affected: yes. Study: The Canadian Open Genetics Repository (COGR). Not counted in ClinVar's aggregate classification.

NM_000059.4(BRCA2):c.2416G>C (p.Asp806His)

Gene: BRCA2 (BRCA2 DNA repair associated; plus strand). Cytogenetic location: 13q13.1.
Variant type: single nucleotide variant.
Coding change: c.2416G>C on transcript NM_000059.4 (MANE Select); coding-DNA position 2416, G replaced by C.
Protein change: p.Asp806His; replaces aspartic acid 806 with histidine.
Molecular consequence: missense variant.
Genome position (GRCh38, 1-based): chr13:32,336,771, G>C. VCF-style: chr13-32336771-G-C. GRCh37 (hg19) VCF-style: chr13-32910908-G-C.
Other names: p.D806H:GAT>CAT; 2644G>C; short protein forms D806H.
Identifiers: ClinVar variation 51278 (VCV000051278.47), dbSNP rs56404215, ClinGen allele CA015179.
Genomic context (GRCh38, chr13:32,336,771, plus strand): 5'-TCTAGAGGCAAAGAATCATACAAAATGTCAGACAAGCTCAAAGGTAACAATTATGAATCT[G>C]ATGTTGAATTAACCAAAAATATTCCCATGGAAAAGAATCAAGATGTATGTGCTTTAAATG-3'
Protein context (NP_000050.3, residues 796-816): DKLKGNNYES[Asp806His]VELTKNIPME